The following is an entry in ClinVar:

NM_001458.5(FLNC):c.5693G>A (p.Gly1898Asp)

Genes: FLNC-AS1 (FLNC antisense RNA 1; minus strand), FLNC (filamin C; plus strand). Cytogenetic location: 7q32.1.
Variant type: single nucleotide variant.
Coding change: c.5693G>A on transcript NM_001458.5 (MANE Select); coding-DNA position 5693, G replaced by A.
Protein change: p.Gly1898Asp; replaces glycine 1898 with aspartic acid.
Molecular consequence: missense variant. On other transcripts: non-coding transcript variant (1).
Genome position (GRCh38, 1-based): chr7:128,851,479, G>A. VCF-style: chr7-128851479-G-A. GRCh37 (hg19) VCF-style: chr7-128491533-G-A.
Other names: c.5594G>A, p.Gly1865Asp (NM_001127487.2); short protein forms G1865D, G1898D.
Identifiers: ClinVar variation 1014929 (VCV001014929.9), dbSNP rs1808809802, ClinGen allele CA369208034.
Genomic context (GRCh38, chr7:128,851,479, plus strand): 5'-CAGGACCTCTGATCTTGGCCACACCTCCACCTACAGGGGGTCTGTCACTGGCCGTGGAGG[G>A]CCCATCCAAGGCAGAGATCACCTGTAAGGACAACAAGGATGGCACCTGCACCGTGTCCTA-3'
Protein context (NP_001449.3, residues 1888-1908): GEGGLSLAVE[Gly1898Asp]PSKAEITCKD

ClinVar aggregate classification (germline): Uncertain significance (1 of 4 stars; one submission).

Conditions:
Hypertrophic cardiomyopathy 26. Also called: Cardiomyopathy, familial hypertrophic, 26. Identifiers: Orphanet 75249, MedGen C4310749, MONDO:0014883, OMIM 617047.
Distal myopathy with posterior leg and anterior hand involvement. Also called: WILLIAMS DISTAL MYOPATHY. Identifiers: Orphanet 63273, MedGen C3279722, MONDO:0013550, OMIM 614065.
Myofibrillar myopathy 5. Also called: FILAMINOPATHY, AUTOSOMAL DOMINANT; Filaminopathy (type). Identifiers: Orphanet 171445, MedGen C1836050, MONDO:0012289, OMIM 609524.

Submission:

Labcorp Genetics (formerly Invitae), Labcorp
Classification: Uncertain significance for Distal myopathy with posterior leg and anterior hand involvement; Myofibrillar myopathy 5; Hypertrophic cardiomyopathy 26. Last evaluated: 2020-10-06. Review status: criteria provided, single submitter. Criteria: Invitae Variant Classification Sherloc (09022015). Collection method: clinical testing. Allele origin: germline.
Comment: In summary, the available evidence is currently insufficient to determine the role of this variant in disease. Therefore, it has been classified as a Variant of Uncertain Significance. Algorithms developed to predict the effect of missense changes on protein structure and function (SIFT, PolyPhen-2, Align-GVGD) all suggest that this variant is likely to be disruptive, but these predictions have not been confirmed by published functional studies and their clinical significance is uncertain. This variant has not been reported in the literature in individuals with FLNC-related conditions. This variant is not present in population databases (ExAC no frequency). This sequence change replaces glycine with aspartic acid at codon 1898 of the FLNC protein (p.Gly1898Asp). The glycine residue is highly conserved and there is a moderate physicochemical difference between glycine and aspartic acid.